The following is an entry in ClinVar:

NM_177559.3(CSNK2A1):c.264G>C (p.Leu88Phe)

Gene: CSNK2A1 (casein kinase 2 alpha 1; minus strand). Cytogenetic location: 20p13.
Variant type: single nucleotide variant.
Coding change: c.264G>C on transcript NM_177559.3 (MANE Select); coding-DNA position 264, G replaced by C.
Protein change: p.Leu88Phe; replaces leucine 88 with phenylalanine.
Molecular consequence: missense variant. On other transcripts: 5 prime UTR variant (1).
Genome position (GRCh38, 1-based): chr20:499,884, C>G on the plus strand (G>C on the coding strand, the complement: CSNK2A1 is on the minus strand). VCF-style: chr20-499884-C-G. GRCh37 (hg19) VCF-style: chr20-480528-C-G.
Other names: c.264G>C, p.Leu88Phe (NM_001362770.2, NM_001362771.2, NM_001895.4); c.-145G>C (NM_177560.3); short protein forms L88F.
Identifiers: ClinVar variation 3906331 (VCV003906331.1).

ClinVar aggregate classification (germline): Uncertain significance (1 of 4 stars; one submission).

Submission:

GeneDx
Classification: Uncertain significance. Last evaluated: 2024-12-21. Review status: criteria provided, single submitter. Criteria: GeneDx Variant Classification Process June 2021. Collection method: clinical testing. Allele origin: germline. Affected: yes.
Comment: Not observed at significant frequency in large population cohorts (gnomAD); In silico analysis supports that this missense variant has a deleterious effect on protein structure/function; Has not been previously published as pathogenic or benign to our knowledge